The following is an entry in ClinVar:

NM_032951.3(MLXIPL):c.22C>T (p.Leu8=)

Gene: MLXIPL (MLX interacting protein like; minus strand). Cytogenetic location: 7q11.23.
Variant type: single nucleotide variant.
Coding change: c.22C>T on transcript NM_032951.3 (MANE Select); coding-DNA position 22, C replaced by T.
Protein change: p.Leu8=; no amino-acid change (leucine 8 retained).
Molecular consequence: synonymous variant. On other transcripts: non-coding transcript variant (1).
Genome position (GRCh38, 1-based): chr7:73,624,471, G>A on the plus strand (C>T on the coding strand, the complement: MLXIPL is on the minus strand). VCF-style: chr7-73624471-G-A. GRCh37 (hg19) VCF-style: chr7-73038801-G-A.
Other names: c.22C>T, p.Leu8= (NM_032952.3, NM_032953.3, NM_032954.3).
Identifiers: ClinVar variation 748844 (VCV000748844.25), dbSNP rs557125342, ClinGen allele CA4289667.

ClinVar aggregate classification (germline): Benign/Likely benign. Review status: criteria provided, multiple submitters, no conflicts (2 of 4 stars). 2 submissions from 2 submitters: Benign (1); Likely benign (1). Last evaluated 2025-12-01.

Allele frequency attached by ClinVar (database versions not stated): TOPMed 0.00023; gnomAD 0.00028 and 0.00032; gnomAD exomes 0.00036 and 0.00063; 1000 Genomes Project 30x 0.00047; 1000 Genomes Project 0.00060; ExAC 0.00227.
gnomAD v4.1: 549 of 1,537,006 alleles (0.036%); highest among the groups gnomAD compares: Middle Eastern, 0.24%; 2 homozygotes.

Submissions (2):

CeGaT Center for Human Genetics Tuebingen
Classification: Likely benign. Last evaluated: 2025-12-01. Review status: criteria provided, single submitter. Criteria: CeGaT Center For Human Genetics Tuebingen Variant Classification Criteria Version 2. Collection method: clinical testing. Allele origin: germline. Affected: yes. Observed: 2 variant alleles.
Comment: MLXIPL: BP4

Labcorp Genetics (formerly Invitae), Labcorp
Classification: Benign. Last evaluated: 2019-12-31. Review status: criteria provided, single submitter. Criteria: Invitae Variant Classification Sherloc (09022015). Collection method: clinical testing. Allele origin: germline.